The following is an entry in ClinVar:

ClinVar aggregate classification (germline): Uncertain significance (1 of 4 stars; one submission).

Allele frequency attached by ClinVar (database versions not stated): gnomAD exomes below 0.00001; ExAC 0.00001.
gnomAD v4.1: 1 of 1,613,142 alleles (0.000062%); highest among the groups gnomAD compares: South Asian, 0.0011%; no homozygotes.

Submission:

GeneDx
Classification: Uncertain significance. Last evaluated: 2022-10-04. Review status: criteria provided, single submitter. Criteria: GeneDx Variant Classification Process June 2021. Collection method: clinical testing. Allele origin: germline. Affected: yes.
Comment: Has not been previously published as pathogenic or benign to our knowledge; In silico analysis supports that this missense variant has a deleterious effect on protein structure/function; Missense variants in this gene are often considered pathogenic (HGMD)

NM_004985.5(KRAS):c.380C>G (p.Thr127Arg)

Gene: KRAS (KRAS proto-oncogene, GTPase; minus strand). Cytogenetic location: 12p12.1.
Variant type: single nucleotide variant.
Coding change: c.380C>G on transcript NM_004985.5 (MANE Select); coding-DNA position 380, C replaced by G.
Protein change: p.Thr127Arg; replaces threonine 127 with arginine.
Molecular consequence: missense variant.
Genome position (GRCh38, 1-based): chr12:25,225,684, G>C on the plus strand (C>G on the coding strand, the complement: KRAS is on the minus strand). VCF-style: chr12-25225684-G-C. GRCh37 (hg19) VCF-style: chr12-25378618-G-C.
Other names: c.380C>G, p.Thr127Arg (NM_001369786.1, NM_001369787.1, NM_033360.4); short protein forms T127R.
Identifiers: ClinVar variation 2498003 (VCV002498003.1), dbSNP rs781634879, ClinGen allele CA6486886.